The following is an entry in ClinVar:

NM_002474.3(MYH11):c.4954-63C>T

Genes: MYH11 (myosin heavy chain 11; minus strand), NDE1 (nudE neurodevelopment protein 1; plus strand). Cytogenetic location: 16p13.11.
Variant type: single nucleotide variant.
Coding change: c.4954-63C>T on transcript NM_002474.3 (MANE Select); 63 bases into the intron before coding-DNA position 4954, C replaced by T.
Molecular consequence: intron variant.
Genome position (GRCh38, 1-based): chr16:15,719,776, G>A on the plus strand (C>T on the coding strand, the complement: MYH11 is on the minus strand). VCF-style: chr16-15719776-G-A. GRCh37 (hg19) VCF-style: chr16-15813633-G-A.
Other names: c.948-4415G>A (NM_001143979.2, NM_017668.3); c.4954-63C>T (NM_022844.3); c.4975-63C>T (NM_001040114.2, NM_001040113.2).
Identifiers: ClinVar variation 672360 (VCV000672360.2), dbSNP rs17284411, ClinGen allele CA15874942.

ClinVar aggregate classification (germline): Benign. Review status: criteria provided, multiple submitters, no conflicts (2 of 4 stars). 2 submissions from 2 submitters: Benign (2). Last evaluated 2018-06-14.

Allele frequency attached by ClinVar (database versions not stated): gnomAD 0.52480 and 0.52903; TOPMed 0.52761; 1000 Genomes Project 30x 0.53873; 1000 Genomes Project 0.54014; gnomAD exomes 0.54267.
gnomAD v4.1: 871,274 of 1,608,740 alleles (54%); highest among the groups gnomAD compares: South Asian, 68%; 238,432 homozygotes.

Submissions (2):

GeneDx
Classification: Benign. Last evaluated: 2018-06-14. Review status: criteria provided, single submitter. Criteria: GeneDx Variant Classification (06012015). Collection method: clinical testing. Allele origin: germline. Affected: yes.
Comment: This variant is considered likely benign or benign based on one or more of the following criteria: it is a conservative change, it occurs at a poorly conserved position in the protein, it is predicted to be benign by multiple in silico algorithms, and/or has population frequency not consistent with disease.

Breakthrough Genomics
Classification: Benign. Review status: criteria provided, single submitter. Criteria: ACMG Guidelines, 2015. Collection method: not provided. Allele origin: germline. Inheritance: Autosomal recessive inheritance. Affected: yes.